The following is an entry in ClinVar:

ClinVar aggregate classification (germline): Uncertain significance (1 of 4 stars; one submission).

Allele frequency attached by ClinVar (database versions not stated): gnomAD exomes below 0.00001; ExAC 0.00001.
gnomAD v4.1: 2 of 1,585,046 alleles (0.00013%); highest among the groups gnomAD compares: Non-Finnish European, 0.00017%; no homozygotes.

Submission:

Labcorp Genetics (formerly Invitae), Labcorp
Classification: Uncertain significance. Last evaluated: 2022-05-13. Review status: criteria provided, single submitter. Criteria: Invitae Variant Classification Sherloc (09022015). Collection method: clinical testing. Allele origin: germline.
Comment: In summary, the available evidence is currently insufficient to determine the role of this variant in disease. Therefore, it has been classified as a Variant of Uncertain Significance. Variants that disrupt the consensus splice site are a relatively common cause of aberrant splicing (PMID: 17576681, 9536098). Algorithms developed to predict the effect of sequence changes on RNA splicing suggest that this variant is not likely to affect RNA splicing. This variant has not been reported in the literature in individuals affected with KIF11-related conditions. This variant is present in population databases (rs765910083, gnomAD 0.001%). This sequence change falls in intron 1 of the KIF11 gene. It does not directly change the encoded amino acid sequence of the KIF11 protein. It affects a nucleotide within the consensus splice site.

Literature cited by the submitters: PubMed 17576681; PubMed 9536098.

NM_004523.4(KIF11):c.78-3T>C

Gene: KIF11 (kinesin family member 11; plus strand). Cytogenetic location: 10q23.33.
Variant type: single nucleotide variant.
Coding change: c.78-3T>C on transcript NM_004523.4 (MANE Select); 3 bases into the intron before coding-DNA position 78, T replaced by C.
Molecular consequence: intron variant.
Genome position (GRCh38, 1-based): chr10:92,606,262, T>C. VCF-style: chr10-92606262-T-C. GRCh37 (hg19) VCF-style: chr10-94366019-T-C.
Identifiers: ClinVar variation 1994032 (VCV001994032.4), dbSNP rs765910083, ClinGen allele CA5603904.